The following is an entry in ClinVar:

NM_002024.6(FMR1):c.1375A>T (p.Lys459Ter)

Gene: FMR1 (fragile X messenger ribonucleoprotein 1; plus strand). Cytogenetic location: Xq27.3.
Variant type: single nucleotide variant.
Coding change: c.1375A>T on transcript NM_002024.6 (MANE Select); coding-DNA position 1375, A replaced by T.
Protein change: p.Lys459Ter; replaces lysine 459 with a stop codon.
Molecular consequence: nonsense. On other transcripts: intron variant (2).
Genome position (GRCh38, 1-based): chrX:147,943,230, A>T. VCF-style: chrX-147943230-A-T. GRCh37 (hg19) VCF-style: chrX-147024750-A-T.
Other names: c.1312A>T, p.Lys438Ter (NM_001185076.2, NM_001185082.2); c.1276-1714A>T (NM_001185075.2); c.1213-1714A>T (NM_001185081.2); short protein forms K438*, K459*.
Identifiers: ClinVar variation 3255145 (VCV003255145.1), dbSNP rs2521479850.

ClinVar aggregate classification (germline): Pathogenic (1 of 4 stars; one submission).

Conditions:
Fragile X syndrome. Also called: Fragile X syndrome, type A; MARKER X SYNDROME; MARTIN-BELL SYNDROME; MENTAL RETARDATION, X-LINKED, ASSOCIATED WITH marXq28; Fragile X Syndrome (FXS); X-LINKED MENTAL RETARDATION AND MACROORCHIDISM. Identifiers: Orphanet 449291, Orphanet 908, MedGen C0016667, MONDO:0010383, OMIM 300624. Disease mechanism: loss of function.

Submission:

Victorian Clinical Genetics Services, Murdoch Childrens Research Institute
Classification: Pathogenic for Fragile X syndrome. Last evaluated: 2023-07-17. Review status: criteria provided, single submitter. Criteria: ACMG Guidelines, 2015. Collection method: clinical testing. Allele origin: germline. Inheritance: X-linked dominant inheritance. Affected: yes.
Comment: Based on the classification scheme VCGS_Germline_v1.3.4, this variant is classified as Pathogenic. Following criteria are met: 0103 - Loss of function and gain of function are known mechanisms of disease in this gene and are associated with fragile X tremor/ataxia syndrome (MIM#300623), fragile X syndrome (MIM#300624), and premature ovarian failure 1 (MIM#311360). Premutation repeat expansions have a gain of function effect resulting in increased mRNA and gene expression. Variants resulting in a premature termination codon, or repeat expansion of over 200 repeats have a loss of function effect (PMID: 21516088, PMID: 11445641, PMID: 36250920). (I) 0110 - This gene is associated with X-linked dominant disease. (I) 0201 - Variant is predicted to cause nonsense-mediated decay (NMD) and loss of protein (premature termination codon is located at least 54 nucleotides upstream of the final exon-exon junction). (SP) 0219 - This variant is non-coding in an alternative transcript. This variant is non-coding in two transcripts, however it is coding in the ClinVar predominant transcript and is located in exon 14. Functional studies have shown the importance of exon 14 in rat forebrain development, and elevated expression in HEK293 cells (PMID: 35641906). (I) 0253 - This variant is hemizygous. (I) 0301 - Variant is absent from gnomAD (both v2 and v3). (SP) 0702 - Other NMD-predicted variants comparable to the one identified in this case have strong previous evidence for pathogenicity. These variants have been reported as pathogenic, and observed in individuals with global developmental delay together with speech and language delay and ADHD, and intellectual disability (ClinVar, DECIPHER, PMID: 35857264, PMID: 28176767). (SP) 0807 - This variant has no previous evidence of pathogenicity. (I) 0905 - No published segregation evidence has been identified for this variant. (I) 1007 - No published functional evidence has been identified for this variant. (SP) Legend: (SP) - Supporting pathogenic, (I) - Information, (SB) - Supporting benign

Literature cited by the submitters: PubMed 11445641; PubMed 21516088; PubMed 28176767; PubMed 35641906; PubMed 35857264; PubMed 36250920.